The following is an entry in ClinVar:

ClinVar aggregate classification (germline): Uncertain significance (1 of 4 stars; one submission).

Conditions:
Inborn genetic diseases. Identifiers: MedGen C0950123, MeSH D030342.

gnomAD v4.1: 1 of 1,612,410 alleles (0.000062%); highest among the groups gnomAD compares: Non-Finnish European, 0.000085%; no homozygotes.

Submission:

Ambry Genetics
Classification: Uncertain significance for Inborn genetic diseases. Last evaluated: 2024-06-11. Review status: criteria provided, single submitter. Criteria: Ambry Variant Classification Scheme 2023. Collection method: clinical testing. Allele origin: germline.
Comment: The c.2225A>G (p.E742G) alteration is located in exon 11 (coding exon 11) of the MED13 gene. This alteration results from a A to G substitution at nucleotide position 2225, causing the glutamic acid (E) at amino acid position 742 to be replaced by a glycine (G). This variant was not reported in population-based cohorts in the Genome Aggregation Database (gnomAD). This amino acid position is well conserved in available vertebrate species. The in silico prediction for this alteration is inconclusive. Based on insufficient or conflicting evidence, the clinical significance of this alteration remains unclear.

NM_005121.3(MED13):c.2225A>G (p.Glu742Gly)

Gene: MED13 (mediator complex subunit 13; minus strand). Cytogenetic location: 17q23.2.
Variant type: single nucleotide variant.
Coding change: c.2225A>G on transcript NM_005121.3 (MANE Select); coding-DNA position 2225, A replaced by G.
Protein change: p.Glu742Gly; replaces glutamic acid 742 with glycine.
Molecular consequence: missense variant.
Genome position (GRCh38, 1-based): chr17:61,992,578, T>C on the plus strand (A>G on the coding strand, the complement: MED13 is on the minus strand). VCF-style: chr17-61992578-T-C. GRCh37 (hg19) VCF-style: chr17-60069939-T-C.
Other names: short protein forms E742G.
Identifiers: ClinVar variation 3293994 (VCV003293994.1).